The following is an entry in ClinVar:

NM_000069.3(CACNA1S):c.3027G>T (p.Thr1009=)

Gene: CACNA1S (calcium voltage-gated channel subunit alpha1 S; minus strand). Cytogenetic location: 1q32.1.
Variant type: single nucleotide variant.
Coding change: c.3027G>T on transcript NM_000069.3 (MANE Select); coding-DNA position 3027, G replaced by T.
Protein change: p.Thr1009=; no amino-acid change (threonine 1009 retained).
Molecular consequence: synonymous variant.
Genome position (GRCh38, 1-based): chr1:201,061,970, C>A on the plus strand (G>T on the coding strand, the complement: CACNA1S is on the minus strand). VCF-style: chr1-201061970-C-A. GRCh37 (hg19) VCF-style: chr1-201031098-C-A.
Identifiers: ClinVar variation 2141671 (VCV002141671.5), dbSNP rs371818752, ClinGen allele CA422720403.
Genomic context (GRCh38, chr1:201,061,970, plus strand): 5'-TCCATGAGGGACCTAGGCCCCAGCCATCACTCACTGAGGCCATCCCTCGAAGGTGGAGAC[C>A]GTGAAGAGGGACATCATGGCTGAGAGCACATTGTCGAAGTGGAAGTCGCTGTGTACCCAC-3'
Protein context (NP_000060.2, residues 999-1019): NVLSAMMSLF[Thr1009=]VSTFEGWPQL

ClinVar aggregate classification (germline): Likely benign. Review status: criteria provided, multiple submitters, no conflicts (2 of 4 stars). 2 submissions from 2 submitters: Likely benign (2). Last evaluated 2023-03-09.

Conditions:
Hypokalemic periodic paralysis, type 1. Also called: HypoPP; Hypokalemic Periodic Paralysis Type 1 (AD). Identifiers: Orphanet 681, MedGen C3714580, MONDO:0042979, OMIM 170400.
Malignant hyperthermia, susceptibility to, 5 (MHS5). Also called: CACNA1S-Related Malignant Hyperthermia Susceptibility. Identifiers: Orphanet 423, MedGen C1866077, MONDO:0011163, OMIM 601887.

Submissions (2):

All of Us Research Program, National Institutes of Health
Classification: Likely benign for Malignant hyperthermia, susceptibility to, 5. Last evaluated: 2023-03-09. Review status: criteria provided, single submitter. Criteria: ACMG Guidelines, 2015. Collection method: clinical testing. Allele origin: germline. Inheritance: Autosomal dominant inheritance. Observed: 1 variant allele, 1 heterozygote.
Comment: This study involves interpretation of variants in research participants for the purpose of population health screening. Participant phenotype was not available at the time of variant classification. Additional details can be found in publication PMID: 35346344, PMCID: PMC8962531

Labcorp Genetics (formerly Invitae), Labcorp
Classification: Likely benign for Hypokalemic periodic paralysis, type 1; Malignant hyperthermia, susceptibility to, 5. Last evaluated: 2022-08-12. Review status: criteria provided, single submitter. Criteria: Invitae Variant Classification Sherloc (09022015). Collection method: clinical testing. Allele origin: germline.